The following is an entry in ClinVar:

ClinVar aggregate classification (germline): Conflicting classifications of pathogenicity. Review status: criteria provided, conflicting classifications (1 of 4 stars). 4 submissions from 4 submitters: Uncertain significance (1); Likely benign (3). Last evaluated 2026-09-01.

Conditions:
Inborn genetic diseases. Identifiers: MedGen C0950123, MeSH D030342.
FHOD3-related disorder. Also called: FHOD3-related condition.

Allele frequency attached by ClinVar (database versions not stated): TOPMed 0.00004; ESP Exome Variant Server 0.00008; ExAC 0.00014; gnomAD 0.00019.
gnomAD v4.1: 167 of 1,594,304 alleles (0.01%); highest among the groups gnomAD compares: Non-Finnish European, 0.0055%; no homozygotes.

Submissions (4):

PreventionGenetics, part of Exact Sciences
Classification: Likely benign for FHOD3-related condition. Last evaluated: 2026-09-01. Review status: criteria provided, single submitter. Criteria: ACMG Guidelines, 2015. Collection method: clinical testing. Allele origin: germline.
Comment: This variant is classified as likely benign based on ACMG/AMP sequence variant interpretation guidelines (Richards et al. 2015 PMID: 25741868, with internal and published modifications).

Laboratory of Genetics, Children's Clinical University Hospital Latvia
Classification: Likely benign. Last evaluated: 2025-02-16. Review status: criteria provided, single submitter. Criteria: ACMG Guidelines, 2015. Collection method: clinical testing. Allele origin: germline. Affected: yes.

Blueprint Genetics
Classification: Likely benign. Last evaluated: 2024-09-27. Review status: criteria provided, single submitter. Criteria: ACMG Guidelines, 2015. Collection method: clinical testing. Allele origin: germline.

Ambry Genetics
Classification: Uncertain significance for Inborn genetic diseases. Last evaluated: 2024-01-22. Review status: criteria provided, single submitter. Criteria: Ambry Variant Classification Scheme 2023. Collection method: clinical testing. Allele origin: germline.

NM_001281740.3(FHOD3):c.4483C>G (p.Pro1495Ala)

Gene: FHOD3 (formin homology 2 domain containing 3; plus strand). Cytogenetic location: 18q12.2.
Variant type: single nucleotide variant.
Coding change: c.4483C>G on transcript NM_001281740.3 (MANE Select); coding-DNA position 4483, C replaced by G.
Protein change: p.Pro1495Ala; replaces proline 1495 with alanine.
Molecular consequence: missense variant.
Genome position (GRCh38, 1-based): chr18:36,760,641, C>G. VCF-style: chr18-36760641-C-G. GRCh37 (hg19) VCF-style: chr18-34340604-C-G.
Other names: c.4483C>G (NM_001281740.2); c.3883C>G, p.Pro1295Ala (NM_001281739.3); c.3934C>G, p.Pro1312Ala (NM_025135.5); short protein forms P1312A, P1495A, P1295A.
Identifiers: ClinVar variation 3095151 (VCV003095151.4), dbSNP rs199888159, ClinGen allele CA8942377.